The following is an entry in ClinVar:

NM_022114.4(PRDM16):c.3272G>C (p.Arg1091Pro)

Gene: PRDM16 (PR/SET domain 16; plus strand). Cytogenetic location: 1p36.32.
Variant type: single nucleotide variant.
Coding change: c.3272G>C on transcript NM_022114.4 (MANE Select); coding-DNA position 3272, G replaced by C.
Protein change: p.Arg1091Pro; replaces arginine 1091 with proline.
Molecular consequence: missense variant.
Genome position (GRCh38, 1-based): chr1:3,426,213, G>C. VCF-style: chr1-3426213-G-C. GRCh37 (hg19) VCF-style: chr1-3342777-G-C.
Other names: c.3272G>C, p.Arg1091Pro (NM_199454.3); short protein forms R1091P.
Identifiers: ClinVar variation 4740110 (VCV004740110.2).

ClinVar aggregate classification (germline): Uncertain significance. Review status: criteria provided, multiple submitters, no conflicts (2 of 4 stars). 2 submissions from 2 submitters: Uncertain significance (2). Last evaluated 2025-07-09.

Conditions:
Left ventricular noncompaction 8 (LVNC8). Identifiers: Orphanet 154, Orphanet 54260, MedGen C3809288, MONDO:0014152, OMIM 615373.

Submissions (2):

Labcorp Genetics (formerly Invitae), Labcorp
Classification: Uncertain significance for Left ventricular noncompaction 8. Last evaluated: 2025-07-09. Review status: criteria provided, single submitter. Criteria: Invitae Variant Classification Sherloc (09022015). Collection method: clinical testing. Allele origin: germline.
Comment: This sequence change replaces arginine, which is basic and polar, with proline, which is neutral and non-polar, at codon 1091 of the PRDM16 protein (p.Arg1091Pro). This variant is not present in population databases (gnomAD no frequency). This variant has not been reported in the literature in individuals affected with PRDM16-related conditions. An algorithm developed to predict the effect of missense changes on protein structure and function (PolyPhen-2) suggests that this variant is likely to be disruptive. In summary, the available evidence is currently insufficient to determine the role of this variant in disease. Therefore, it has been classified as a Variant of Uncertain Significance.

Blueprint Genetics
Classification: Uncertain significance. Last evaluated: 2024-04-16. Review status: criteria provided, single submitter. Criteria: ACMG Guidelines, 2015. Collection method: clinical testing. Allele origin: germline.